The following is an entry in ClinVar:

NM_000059.4(BRCA2):c.6392A>T (p.Lys2131Ile)

Gene: BRCA2 (BRCA2 DNA repair associated; plus strand). Cytogenetic location: 13q13.1.
Variant type: single nucleotide variant.
Coding change: c.6392A>T on transcript NM_000059.4 (MANE Select); coding-DNA position 6392, A replaced by T.
Protein change: p.Lys2131Ile; replaces lysine 2131 with isoleucine.
Molecular consequence: missense variant. On other transcripts: non-coding transcript variant (1), intron variant (2).
Genome position (GRCh38, 1-based): chr13:32,340,747, A>T. VCF-style: chr13-32340747-A-T. GRCh37 (hg19) VCF-style: chr13-32914884-A-T.
Other names: c.6392A>T, p.Lys2131Ile (NM_001406719.1, NM_001406720.1); c.1910-3811A>T (NM_001406721.1); c.425-3811A>T (NM_001406722.1); short protein forms K2131I.
Identifiers: ClinVar variation 2768977 (VCV002768977.3), dbSNP rs2137527058, ClinGen allele CA387789216.
Genomic context (GRCh38, chr13:32,340,747, plus strand): 5'-AGAGAAACCCAGAGCACTGTGTAAACTCAGAAATGGAAAAAACCTGCAGTAAAGAATTTA[A>T]ATTATCAAATAACTTAAATGTTGAAGGTGGTTCTTCAGAAAATAATCACTCTATTAAAGT-3'
Protein context (NP_000050.3, residues 2121-2141): EMEKTCSKEF[Lys2131Ile]LSNNLNVEGG

ClinVar aggregate classification (germline): Uncertain significance (1 of 4 stars; one submission).

Conditions:
Hereditary breast ovarian cancer syndrome. Also called: Hereditary breast and ovarian cancer syndrome; Hereditary breast and ovarian cancer syndrome (HBOC); BRCA1- and BRCA2-Associated Hereditary Breast and Ovarian Cancer; Hereditary breast and ovarian cancer; Breast and ovarian cancer; Hereditary breast and/or ovarian cancer syndrome. Identifiers: Orphanet 145, MedGen C0677776, MeSH D061325, MONDO:0003582. Disease mechanism: loss of function.

Submission:

Labcorp Genetics (formerly Invitae), Labcorp
Classification: Uncertain significance for Hereditary breast ovarian cancer syndrome. Last evaluated: 2023-10-16. Review status: criteria provided, single submitter. Criteria: Invitae Variant Classification Sherloc (09022015). Collection method: clinical testing. Allele origin: germline.
Comment: This sequence change replaces lysine, which is basic and polar, with isoleucine, which is neutral and non-polar, at codon 2131 of the BRCA2 protein (p.Lys2131Ile). This variant is not present in population databases (gnomAD no frequency). This variant has not been reported in the literature in individuals affected with BRCA2-related conditions. Advanced modeling of protein sequence and biophysical properties (such as structural, functional, and spatial information, amino acid conservation, physicochemical variation, residue mobility, and thermodynamic stability) performed at Invitae indicates that this missense variant is not expected to disrupt BRCA2 protein function. In summary, the available evidence is currently insufficient to determine the role of this variant in disease. Therefore, it has been classified as a Variant of Uncertain Significance.